The following is an entry in ClinVar:

NM_173354.5(SIK1):c.43G>T (p.Gly15Cys)

Gene: SIK1 (salt inducible kinase 1; minus strand). Cytogenetic location: 21q22.3.
Variant type: single nucleotide variant.
Coding change: c.43G>T on transcript NM_173354.5 (MANE Select); coding-DNA position 43, G replaced by T.
Protein change: p.Gly15Cys; replaces glycine 15 with cysteine.
Molecular consequence: missense variant.
Genome position (GRCh38, 1-based): chr21:43,426,136, C>A on the plus strand (G>T on the coding strand, the complement: SIK1 is on the minus strand). VCF-style: chr21-43426136-C-A. GRCh37 (hg19) VCF-style: chr21-44846016-C-A.
Other names: short protein forms G15C.
Identifiers: ClinVar variation 2061619 (VCV002061619.4), dbSNP rs3746951, ClinGen allele CA16621919.

ClinVar aggregate classification (germline): Uncertain significance (1 of 4 stars; one submission).

Conditions:
Developmental and epileptic encephalopathy, 30 (DEE30). Also called: Epileptic encephalopathy, early infantile, 30. Identifiers: MedGen C4225360, MONDO:0014595, OMIM 616341.

Submission:

Labcorp Genetics (formerly Invitae), Labcorp
Classification: Uncertain significance for Developmental and epileptic encephalopathy, 30. Last evaluated: 2022-07-27. Review status: criteria provided, single submitter. Criteria: Invitae Variant Classification Sherloc (09022015). Collection method: clinical testing. Allele origin: germline.
Comment: In summary, the available evidence is currently insufficient to determine the role of this variant in disease. Therefore, it has been classified as a Variant of Uncertain Significance. Advanced modeling of protein sequence and biophysical properties (such as structural, functional, and spatial information, amino acid conservation, physicochemical variation, residue mobility, and thermodynamic stability) performed at Invitae indicates that this missense variant is not expected to disrupt SIK1 protein function. This variant has not been reported in the literature in individuals affected with SIK1-related conditions. This variant is not present in population databases (gnomAD no frequency). This sequence change replaces glycine, which is neutral and non-polar, with cysteine, which is neutral and slightly polar, at codon 15 of the SIK1 protein (p.Gly15Cys).